The following is an entry in ClinVar:

NM_000426.4(LAMA2):c.910-1G>T

Gene: LAMA2 (laminin subunit alpha 2; plus strand). Cytogenetic location: 6q22.33.
Variant type: single nucleotide variant.
Coding change: c.910-1G>T on transcript NM_000426.4 (MANE Select); the canonical splice acceptor site of the intron before coding-DNA position 910, G replaced by T.
Molecular consequence: splice acceptor variant.
Genome position (GRCh38, 1-based): chr6:129,148,978, G>T. VCF-style: chr6-129148978-G-T. GRCh37 (hg19) VCF-style: chr6-129470123-G-T.
Other names: c.910-1G>T (NM_001079823.2).
Identifiers: ClinVar variation 1076380 (VCV001076380.13), dbSNP rs2114967780, ClinGen allele CA365606471.

ClinVar aggregate classification (germline): Pathogenic. Review status: criteria provided, multiple submitters, no conflicts (2 of 4 stars). 2 submissions from 2 submitters: Pathogenic (2). Last evaluated 2020-10-19.

Conditions:
LAMA2-related muscular dystrophy (LAMA2-RD). Also called: Laminin alpha 2-related dystrophy. Identifiers: MedGen C5679788, MONDO:0100228.

Submissions (2):

Labcorp Genetics (formerly Invitae), Labcorp
Classification: Pathogenic for LAMA2-related muscular dystrophy. Last evaluated: 2020-10-19. Review status: criteria provided, single submitter. Criteria: Invitae Variant Classification Sherloc (09022015). Collection method: clinical testing. Allele origin: germline.
Comment: For these reasons, this variant has been classified as Pathogenic. Algorithms developed to predict the effect of sequence changes on RNA splicing suggest that this variant may disrupt the consensus splice site, but this prediction has not been confirmed by published transcriptional studies. This variant has been observed in individual(s) with clinical features of congenital muscular dystrophy (PMID: 24611677, Invitae). In at least one individual the data is consistent with the variant being in trans (on the opposite chromosome) from a pathogenic variant. This variant is not present in population databases (ExAC no frequency). This sequence change affects an acceptor splice site in intron 6 of the LAMA2 gene. It is expected to disrupt RNA splicing. Variants that disrupt the donor or acceptor splice site typically lead to a loss of protein function (PMID: 16199547), and loss-of-function variants in LAMA2 are known to be pathogenic (PMID: 18700894).

Revvity Omics, Revvity
Classification: Pathogenic. Last evaluated: 2020-10-15. Review status: criteria provided, single submitter. Criteria: ACMG Guidelines, 2015. Collection method: clinical testing. Allele origin: germline.

Literature cited by the submitters: PubMed 24611677 (cited by Labcorp Genetics (formerly Invitae), Labcorp); PubMed 16199547 (cited by Labcorp Genetics (formerly Invitae), Labcorp); PubMed 18700894 (cited by Labcorp Genetics (formerly Invitae), Labcorp).